The following is an entry in ClinVar:

ClinVar aggregate classification (germline): Uncertain significance (1 of 4 stars; one submission).

Conditions:
Leber congenital amaurosis 6 (LCA6). Identifiers: Orphanet 65, MedGen C1854260, MONDO:0013446, OMIM 613826.
Cone-rod dystrophy 13 (CORD13). Identifiers: Orphanet 1872, MedGen C2750720, MONDO:0011987, OMIM 608194.

Allele frequency attached by ClinVar (database versions not stated): gnomAD exomes below 0.00001.
gnomAD v4.1: 2 of 1,612,656 alleles (0.00012%); highest among the groups gnomAD compares: Non-Finnish European, 0.00017%; no homozygotes.

Submission:

Labcorp Genetics (formerly Invitae), Labcorp
Classification: Uncertain significance for Leber congenital amaurosis 6; Cone-rod dystrophy 13. Last evaluated: 2024-02-23. Review status: criteria provided, single submitter. Criteria: Invitae Variant Classification Sherloc (09022015). Collection method: clinical testing. Allele origin: germline.
Comment: This sequence change replaces alanine, which is neutral and non-polar, with glutamic acid, which is acidic and polar, at codon 107 of the RPGRIP1 protein (p.Ala107Glu). This variant is not present in population databases (gnomAD no frequency). This variant has not been reported in the literature in individuals affected with RPGRIP1-related conditions. ClinVar contains an entry for this variant (Variation ID: 1948692). Advanced modeling of protein sequence and biophysical properties (such as structural, functional, and spatial information, amino acid conservation, physicochemical variation, residue mobility, and thermodynamic stability) performed at Invitae indicates that this missense variant is not expected to disrupt RPGRIP1 protein function with a negative predictive value of 80%. In summary, the available evidence is currently insufficient to determine the role of this variant in disease. Therefore, it has been classified as a Variant of Uncertain Significance.

NM_020366.4(RPGRIP1):c.320C>A (p.Ala107Glu)

Gene: RPGRIP1 (RPGR interacting protein 1; plus strand). Cytogenetic location: 14q11.2.
Variant type: single nucleotide variant.
Coding change: c.320C>A on transcript NM_020366.4 (MANE Select); coding-DNA position 320, C replaced by A.
Protein change: p.Ala107Glu; replaces alanine 107 with glutamic acid.
Molecular consequence: missense variant.
Genome position (GRCh38, 1-based): chr14:21,301,067, C>A. VCF-style: chr14-21301067-C-A. GRCh37 (hg19) VCF-style: chr14-21769226-C-A.
Other names: short protein forms A107E.
Identifiers: ClinVar variation 1948692 (VCV001948692.5), dbSNP rs2502705395, ClinGen allele CA388858760.